The following is an entry in ClinVar:

ClinVar aggregate classification (germline): Uncertain significance (1 of 4 stars; one submission).

Conditions:
Congenital contractural arachnodactyly (CCA). Also called: BEALS SYNDROME; Arthrogryposis, distal, type 9; Beals-Hecht syndrome. Identifiers: Orphanet 115, MedGen C0220668, MONDO:0007363, OMIM 121050.

Submission:

Labcorp Genetics (formerly Invitae), Labcorp
Classification: Uncertain significance for Congenital contractural arachnodactyly. Last evaluated: 2025-06-24. Review status: criteria provided, single submitter. Criteria: Invitae Variant Classification Sherloc (09022015). Collection method: clinical testing. Allele origin: germline.
Comment: This sequence change replaces phenylalanine, which is neutral and non-polar, with leucine, which is neutral and non-polar, at codon 2079 of the FBN2 protein (p.Phe2079Leu). This variant is not present in population databases (gnomAD no frequency). This variant has not been reported in the literature in individuals affected with FBN2-related conditions. Invitae Evidence Modeling of protein sequence and biophysical properties (such as structural, functional, and spatial information, amino acid conservation, physicochemical variation, residue mobility, and thermodynamic stability) indicates that this missense variant is expected to disrupt FBN2 protein function with a positive predictive value of 80%. In summary, the available evidence is currently insufficient to determine the role of this variant in disease. Therefore, it has been classified as a Variant of Uncertain Significance.

NM_001999.4(FBN2):c.6235T>C (p.Phe2079Leu)

Gene: FBN2 (fibrillin 2; minus strand). Cytogenetic location: 5q23.3.
Variant type: single nucleotide variant.
Coding change: c.6235T>C on transcript NM_001999.4 (MANE Select); coding-DNA position 6235, T replaced by C.
Protein change: p.Phe2079Leu; replaces phenylalanine 2079 with leucine.
Molecular consequence: missense variant.
Genome position (GRCh38, 1-based): chr5:128,291,586, A>G on the plus strand (T>C on the coding strand, the complement: FBN2 is on the minus strand). VCF-style: chr5-128291586-A-G. GRCh37 (hg19) VCF-style: chr5-127627278-A-G.
Other names: short protein forms F2079L.
Identifiers: ClinVar variation 4769581 (VCV004769581.1).